The following is an entry in ClinVar:

ClinVar aggregate classification (germline): Uncertain significance (1 of 4 stars; one submission).

Conditions:
Holoprosencephaly 9 (HPE9). Also called: HOLOPROSENCEPHALY WITH MICROPHTHALMIA AND FIRST BRANCHIAL ARCH ANOMALIES; PITUITARY ANOMALIES WITH HOLOPROSENCEPHALY-LIKE FEATURES. Identifiers: Orphanet 2162, MedGen C1835819, MONDO:0012563, OMIM 610829.
Postaxial polydactyly-anterior pituitary anomalies-facial dysmorphism syndrome. Also called: Culler-Jones syndrome. Identifiers: Orphanet 420584, MedGen C4014479, MONDO:0014369, OMIM 615849.

Submission:

Labcorp Genetics (formerly Invitae), Labcorp
Classification: Uncertain significance for Postaxial polydactyly-anterior pituitary anomalies-facial dysmorphism syndrome; Holoprosencephaly 9. Last evaluated: 2025-12-10. Review status: criteria provided, single submitter. Criteria: Invitae Variant Classification Sherloc (09022015). Collection method: clinical testing. Allele origin: germline.
Comment: This sequence change replaces methionine, which is neutral and non-polar, with threonine, which is neutral and polar, at codon 1421 of the GLI2 protein (p.Met1421Thr). This variant is not present in population databases (gnomAD no frequency). This variant has not been reported in the literature in individuals affected with GLI2-related conditions. Invitae Evidence Modeling of protein sequence and biophysical properties (such as structural, functional, and spatial information, amino acid conservation, physicochemical variation, residue mobility, and thermodynamic stability) indicates that this missense variant is not expected to disrupt GLI2 protein function with a negative predictive value of 80%. In summary, the available evidence is currently insufficient to determine the role of this variant in disease. Therefore, it has been classified as a Variant of Uncertain Significance.

NM_001374353.1(GLI2):c.4211T>C (p.Met1404Thr)

Gene: GLI2 (GLI family zinc finger 2; plus strand). Cytogenetic location: 2q14.2.
Variant type: single nucleotide variant.
Coding change: c.4211T>C on transcript NM_001374353.1 (MANE Select); coding-DNA position 4211, T replaced by C.
Protein change: p.Met1404Thr; replaces methionine 1404 with threonine.
Molecular consequence: missense variant.
Genome position (GRCh38, 1-based): chr2:120,990,176, T>C. VCF-style: chr2-120990176-T-C. GRCh37 (hg19) VCF-style: chr2-121747752-T-C.
Other names: c.4262T>C, p.Met1421Thr (NM_001371271.1, NM_005270.5); c.3836T>C, p.Met1279Thr (NM_001374354.1); short protein forms M1279T, M1404T, M1421T.
Identifiers: ClinVar variation 4782821 (VCV004782821.1).